The following is an entry in ClinVar:

ClinVar aggregate classification (germline): Uncertain significance (1 of 4 stars; one submission).

Submission:

GeneDx
Classification: Uncertain significance. Last evaluated: 2023-05-10. Review status: criteria provided, single submitter. Criteria: GeneDx Variant Classification Process June 2021. Collection method: clinical testing. Allele origin: germline. Affected: yes.
Comment: In silico analysis supports that this missense variant does not alter protein structure/function; Has not been previously published as pathogenic or benign to our knowledge

NM_033163.5(FGF8):c.59T>A (p.Leu20His)

Gene: FGF8 (fibroblast growth factor 8; minus strand). Cytogenetic location: 10q24.32.
Variant type: single nucleotide variant.
Coding change: c.59T>A on transcript NM_033163.5 (MANE Select); coding-DNA position 59, T replaced by A.
Protein change: p.Leu20His; replaces leucine 20 with histidine.
Molecular consequence: missense variant. On other transcripts: 5 prime UTR variant (1).
Genome position (GRCh38, 1-based): chr10:101,775,750, A>T on the plus strand (T>A on the coding strand, the complement: FGF8 is on the minus strand). VCF-style: chr10-101775750-A-T. GRCh37 (hg19) VCF-style: chr10-103535507-A-T.
Other names: c.-134T>A (NM_001206389.2); c.59T>A, p.Leu20His (NM_006119.6, NM_033164.4, NM_033165.5); short protein forms L20H.
Identifiers: ClinVar variation 2663417 (VCV002663417.1), dbSNP rs921814082, ClinGen allele CA212183751.
Genomic context (GRCh38, chr10:101,775,750, plus strand): 5'-GGGTCTCACACCGGCGCGCCCGGCCCCCGCCTCCGCGCACCCCTCCTCACCTGGGCTTGG[A>T]GGCAGAGGACCAGCAAGTGCAACAGCCTGTGGGAGACAAAAGCGGGCGGGAGAGAGAGGC-3'
Protein context (NP_149353.1, residues 10-30): CLLLHLLVLC[Leu20His]QAQEGPGRGP